The following is an entry in ClinVar:

ClinVar aggregate classification (germline): Uncertain significance. Review status: criteria provided, multiple submitters, no conflicts (2 of 4 stars). 3 submissions from 3 submitters: Uncertain significance (3). Last evaluated 2024-06-17.

Conditions:
Inborn genetic diseases. Identifiers: MedGen C0950123, MeSH D030342.
Epilepsy, idiopathic generalized, susceptibility to, 11 (EIG11). Identifiers: Orphanet 307, MedGen C2750893, MONDO:0011875, OMIM 607628.
Familial hyperaldosteronism type II. Also called: FH II. Identifiers: Orphanet 404, MedGen C1854107, MONDO:0011576, OMIM 605635.
Leukoencephalopathy with mild cerebellar ataxia and white matter edema (LKPAT). Also called: CLCN2-Related Leukoencephalopathy; Leukoencephalopathy with ataxia; Leukoencephalopathy with white matter edema; Brain white matter edema. Identifiers: Orphanet 363540, MedGen C4554120, MONDO:0014292, OMIM 615651. Disease mechanism: loss of function.

Allele frequency attached by ClinVar (database versions not stated): TOPMed 0.00002; ExAC 0.00003; gnomAD 0.00003; gnomAD exomes 0.00013.
gnomAD v4.1: 190 of 1,613,920 alleles (0.012%); highest among the groups gnomAD compares: Non-Finnish European, 0.014%; 1 homozygote.

Submissions (3):

Fulgent Genetics
Classification: Uncertain significance for Familial hyperaldosteronism type II; Epilepsy, idiopathic generalized, susceptibility to, 11; Leukoencephalopathy with mild cerebellar ataxia and white matter edema. Last evaluated: 2024-06-17. Review status: criteria provided, single submitter. Criteria: ACMG Guidelines, 2015. Collection method: clinical testing. Allele origin: germline.

GeneDx
Classification: Uncertain significance. Last evaluated: 2023-12-12. Review status: criteria provided, single submitter. Criteria: GeneDx Variant Classification Process June 2021. Collection method: clinical testing. Allele origin: germline.
Comment: In silico analysis supports that this missense variant does not alter protein structure/function; Has not been previously published as pathogenic or benign to our knowledge

Ambry Genetics
Classification: Uncertain significance for Inborn genetic diseases. Last evaluated: 2023-12-11. Review status: criteria provided, single submitter. Criteria: Ambry Variant Classification Scheme 2023. Collection method: clinical testing. Allele origin: germline.

NM_004366.6(CLCN2):c.2507G>A (p.Arg836Gln)

Gene: CLCN2 (chloride voltage-gated channel 2; minus strand). Cytogenetic location: 3q27.1.
Variant type: single nucleotide variant.
Coding change: c.2507G>A on transcript NM_004366.6 (MANE Select); coding-DNA position 2507, G replaced by A.
Protein change: p.Arg836Gln; replaces arginine 836 with glutamine.
Molecular consequence: missense variant.
Genome position (GRCh38, 1-based): chr3:184,346,796, C>T on the plus strand (G>A on the coding strand, the complement: CLCN2 is on the minus strand). VCF-style: chr3-184346796-C-T. GRCh37 (hg19) VCF-style: chr3-184064584-C-T.
Other names: c.2456G>A, p.Arg819Gln (NM_001171087.3); c.2375G>A, p.Arg792Gln (NM_001171088.3); c.2420G>A, p.Arg807Gln (NM_001171089.3); short protein forms R792Q, R807Q, R819Q, R836Q.
Identifiers: ClinVar variation 2662140 (VCV002662140.4), dbSNP rs771316539, ClinGen allele CA2733649.
Genomic context (GRCh38, chr3:184,346,796, plus strand): 5'-CTGGCGAGGGGCGGCCGGACTTTCACACCCTGTGCTGTGACAGAGCCCTCGATGGCCTTC[C>T]GGAGCTGGAAAGGTGAGAGGGACAGATGTCTGGACCCAGATGTCAGACTCCTCCCCGCCT-3'
Protein context (NP_004357.3, residues 826-846): LIGIVTLKEL[Arg836Gln]KAIEGSVTAQ